The following is an entry in ClinVar:

NM_000305.3(PON2):c.228C>T (p.Ser76=)

Genes: ASB4 (ankyrin repeat and SOCS box containing 4; plus strand), PON2 (paraoxonase 2; minus strand), LOC107986822 (uncharacterized LOC107986822; plus strand). Cytogenetic location: 7q21.3.
Variant type: single nucleotide variant.
Coding change: c.228C>T on transcript NM_000305.3 (MANE Select); coding-DNA position 228, C replaced by T.
Protein change: p.Ser76=; no amino-acid change (serine 76 retained).
Molecular consequence: synonymous variant.
Genome position (GRCh38, 1-based): chr7:95,412,451, G>A on the plus strand (C>T on the coding strand, the complement: PON2 is on the minus strand). VCF-style: chr7-95412451-G-A. GRCh37 (hg19) VCF-style: chr7-95041763-G-A.
Other names: c.228C>T, p.Ser76= (NM_001018161.2).
Identifiers: ClinVar variation 3052079 (VCV003052079.2), dbSNP rs747794096, ClinGen allele CA4351111.

ClinVar aggregate classification (germline): Likely benign (0 of 4 stars; one submission).

Conditions:
PON2-related disorder. Also called: PON2-related condition.

Allele frequency attached by ClinVar (database versions not stated): TOPMed 0.00001; ExAC 0.00001; gnomAD 0.00002; gnomAD exomes below 0.00001.
gnomAD v4.1: 5 of 1,613,950 alleles (0.00031%); highest among the groups gnomAD compares: African/African-American, 0.0013%; no homozygotes.

Submission:

PreventionGenetics, part of Exact Sciences
Classification: Likely benign for PON2-related condition. Last evaluated: 2020-01-27. Review status: no assertion criteria provided. Collection method: clinical testing. Allele origin: germline.
Comment: This variant is classified as likely benign based on ACMG/AMP sequence variant interpretation guidelines (Richards et al. 2015 PMID: 25741868, with internal and published modifications).